The following is an entry in ClinVar:

NM_000236.3(LIPC):c.310G>A (p.Val104Met)

Gene: LIPC (lipase C, hepatic type; plus strand). Cytogenetic location: 15q21.3.
Variant type: single nucleotide variant.
Coding change: c.310G>A on transcript NM_000236.3 (MANE Select); coding-DNA position 310, G replaced by A.
Protein change: p.Val104Met; replaces valine 104 with methionine.
Molecular consequence: missense variant.
Genome position (GRCh38, 1-based): chr15:58,541,821, G>A. VCF-style: chr15-58541821-G-A. GRCh37 (hg19) VCF-style: chr15-58834020-G-A.
Other names: short protein forms V104M.
Identifiers: ClinVar variation 4697956 (VCV004697956.1).

ClinVar aggregate classification (germline): Uncertain significance (1 of 4 stars; one submission).

gnomAD v4.1: 3 of 1,613,520 alleles (0.00019%); highest among the groups gnomAD compares: Non-Finnish European, 0.00025%; no homozygotes.

Submission:

Labcorp Genetics (formerly Invitae), Labcorp
Classification: Uncertain significance. Last evaluated: 2025-04-18. Review status: criteria provided, single submitter. Criteria: Invitae Variant Classification Sherloc (09022015). Collection method: clinical testing. Allele origin: germline.
Comment: This sequence change replaces valine, which is neutral and non-polar, with methionine, which is neutral and non-polar, at codon 104 of the LIPC protein (p.Val104Met). This variant is not present in population databases (gnomAD no frequency). This missense change has been observed in individual(s) with dyslipidemia (PMID: 36325899). Invitae Evidence Modeling of protein sequence and biophysical properties (such as structural, functional, and spatial information, amino acid conservation, physicochemical variation, residue mobility, and thermodynamic stability) indicates that this missense variant is not expected to disrupt LIPC protein function with a negative predictive value of 80%. In summary, the available evidence is currently insufficient to determine the role of this variant in disease. Therefore, it has been classified as a Variant of Uncertain Significance.

Literature cited by the submitters: PubMed 36325899.